The following is an entry in ClinVar:

ClinVar aggregate classification (germline): Benign (0 of 4 stars; one submission).

Conditions:
NOS1-related disorder. Also called: NOS1-related condition.

Allele frequency attached by ClinVar (database versions not stated): ESP Exome Variant Server 0.27607; gnomAD 0.29781; gnomAD exomes 0.30575; TOPMed 0.31423; 1000 Genomes Project 30x 0.34447; ExAC 0.34566; 1000 Genomes Project 0.34744.
gnomAD v4.1: 444,713 of 1,454,318 alleles (31%); highest among the groups gnomAD compares: Admixed American, 53%; 70,987 homozygotes.

Submission:

PreventionGenetics, part of Exact Sciences
Classification: Benign for NOS1-related condition. Last evaluated: 2019-10-18. Review status: no assertion criteria provided. Collection method: clinical testing. Allele origin: germline.
Comment: This variant is classified as benign based on ACMG/AMP sequence variant interpretation guidelines (Richards et al. 2015 PMID: 25741868, with internal and published modifications).

NM_000620.5(NOS1):c.2532-2258C>T

Gene: NOS1 (nitric oxide synthase 1; minus strand). Cytogenetic location: 12q24.22.
Variant type: single nucleotide variant.
Coding change: c.2532-2258C>T on transcript NM_000620.5 (MANE Select); 2258 bases into the intron before coding-DNA position 2532, C replaced by T.
Molecular consequence: intron variant. On other transcripts: missense variant (1).
Genome position (GRCh38, 1-based): chr12:117,256,012, G>A on the plus strand (C>T on the coding strand, the complement: NOS1 is on the minus strand). VCF-style: chr12-117256012-G-A. GRCh37 (hg19) VCF-style: chr12-117693817-G-A.
Other names: c.2557C>T, p.Pro853Ser (NM_001204218.2); c.1524-2258C>T (NM_001204214.2, NM_001204213.2); short protein forms P853S.
Identifiers: ClinVar variation 3059601 (VCV003059601.2), dbSNP rs11068428, ClinGen allele CA6814794.
Genomic context (GRCh38, chr12:117,256,012, plus strand): 5'-GGGCTGCAGCCAGACCGTGGACTTCTGTGTCACCATTGGGGAGGGGAGGCCCTTTACGGG[G>A]AAAGAAACGCAAGGGTTCCGGGTACCTAGAGGGGAGAATCGATGGTGCCCTATCTCTCCC-3'